The following is an entry in ClinVar:

NM_001244008.2(KIF1A):c.2116+231G>A

Gene: KIF1A (kinesin family member 1A; minus strand). Cytogenetic location: 2q37.3.
Variant type: single nucleotide variant.
Coding change: c.2116+231G>A on transcript NM_001244008.2 (MANE Select); 231 bases into the intron after coding-DNA position 2116, G replaced by A.
Molecular consequence: intron variant.
Genome position (GRCh38, 1-based): chr2:240,762,488, C>T on the plus strand (G>A on the coding strand, the complement: KIF1A is on the minus strand). VCF-style: chr2-240762488-C-T. GRCh37 (hg19) VCF-style: chr2-241701905-C-T.
Other names: c.2089+231G>A (NM_001379653.1, NM_001379650.1, NM_001379645.1 and 10 more transcripts); c.2191+231G>A (NM_001379635.1, NM_001330290.2, NM_001379646.1 and 2 more transcripts); c.2164+231G>A (NM_001379637.1, NM_001379648.1); c.2116+231G>A (NM_001320705.2, NM_001379638.1, NM_001330289.2).
Identifiers: ClinVar variation 682836 (VCV000682836.1), dbSNP rs57954056, ClinGen allele CA11176588.
Genomic context (GRCh38, chr2:240,762,488, plus strand): 5'-GCAGCATGTGTGTGCACGTGTGTACATGTGTGCACGTGAATGTGTGCATGTGTGTACACA[C>T]GCCAGTGCGTGAGTGTGCAGAGCTGCTTGCCAGCTGTGGCACAGTATCCCCCCTCCCCCA-3'

ClinVar aggregate classification (germline): Benign (1 of 4 stars; one submission).

Allele frequency attached by ClinVar (database versions not stated): gnomAD 0.04870 and 0.05044; TOPMed 0.05520; 1000 Genomes Project 0.05851; 1000 Genomes Project 30x 0.06059.
gnomAD v4.1: 7,400 of 152,332 alleles (4.9%); highest among the groups gnomAD compares: African/African-American, 12%; 384 homozygotes.

Submission:

GeneDx
Classification: Benign. Last evaluated: 2018-06-16. Review status: criteria provided, single submitter. Criteria: GeneDx Variant Classification (06012015). Collection method: clinical testing. Allele origin: germline. Affected: yes.
Comment: This variant is considered likely benign or benign based on one or more of the following criteria: it is a conservative change, it occurs at a poorly conserved position in the protein, it is predicted to be benign by multiple in silico algorithms, and/or has population frequency not consistent with disease.